The following is an entry in ClinVar:

ClinVar aggregate classification (germline): Pathogenic/Likely pathogenic. Review status: criteria provided, multiple submitters, no conflicts (2 of 4 stars). 4 submissions from 4 submitters: Pathogenic (2); Likely pathogenic (2). Last evaluated 2025-10-28.

Conditions:
3-methylcrotonyl-CoA carboxylase 2 deficiency. Also called: 3 alpha methylcrotonyl-CoA carboxylase 2 deficiency; 3 alpha methylcrotonylglycinuria 2; MCC 2 deficiency; Methylcrotonylglycinuria type 2; METHYLCROTONYLGLYCINURIA, TYPE II. Identifiers: Orphanet 6, MedGen C1859499, MONDO:0008862, OMIM 210210.

Allele frequency attached by ClinVar (database versions not stated): gnomAD 0.00001; gnomAD exomes 0.00001; TOPMed 0.00001.

Submissions (4):

Labcorp Genetics (formerly Invitae), Labcorp
Classification: Pathogenic for 3-methylcrotonyl-CoA carboxylase 2 deficiency. Last evaluated: 2025-10-28. Review status: criteria provided, single submitter. Criteria: Invitae Variant Classification Sherloc (09022015). Collection method: clinical testing. Allele origin: germline.
Comment: This sequence change creates a premature translational stop signal (p.Ser471Cysfs*30) in the MCCC2 gene. It is expected to result in an absent or disrupted protein product. Loss-of-function variants in MCCC2 are known to be pathogenic (PMID: 11181649, 22642865). This variant is present in population databases (rs780304038, gnomAD 0.002%). This variant has not been reported in the literature in individuals affected with MCCC2-related conditions. ClinVar contains an entry for this variant (Variation ID: 595072). For these reasons, this variant has been classified as Pathogenic.

Natera, Inc.
Classification: Likely pathogenic for 3-methylcrotonyl-CoA carboxylase 2 deficiency. Last evaluated: 2025-06-16. Review status: criteria provided, single submitter. Criteria: Natera Variant Classification Schema (03/2026). Collection method: clinical testing. Allele origin: germline.
Comment: The c.1412_1413delCA variant in MCCC2 is a frameshift variant predicted to shift the reading frame beginning at codon 471 and leads to a stop codon 30 codons downstream. This variant is expected to result in nonsense mediated decay, truncation, or a dysfunctional protein product. This variant is rare in the general population with a frequency below the threshold expected for the associated phenotype(s). Given the available evidence, this variant is classified as Likely Pathogenic.

Baylor Genetics
Classification: Likely pathogenic for 3-methylcrotonyl-CoA carboxylase 2 deficiency. Last evaluated: 2022-11-06. Review status: criteria provided, single submitter. Criteria: ACMG Guidelines, 2015. Collection method: clinical testing. Allele origin: unknown.

Eurofins Ntd Llc (ga)
Classification: Pathogenic. Last evaluated: 2017-12-05. Review status: criteria provided, single submitter. Criteria: EGL Classification Definitions 2015. Collection method: clinical testing. Allele origin: germline. Observed: 1 variant allele, 1 heterozygote.

Literature cited by the submitters: PubMed 11181649 (cited by Labcorp Genetics (formerly Invitae), Labcorp); PubMed 22642865 (cited by Labcorp Genetics (formerly Invitae), Labcorp).

NM_022132.5(MCCC2):c.1412_1413del (p.Ser471fs)

Gene: MCCC2 (methylcrotonyl-CoA carboxylase subunit 2; plus strand). Cytogenetic location: 5q13.2.
Variant type: Deletion.
Coding change: c.1412_1413del on transcript NM_022132.5 (MANE Select); coding-DNA positions 1412 to 1413, 2 bases deleted (CA; older notation c.1412_1413delCA).
Protein change: p.Ser471fs; shifts the reading frame from serine 471.
Molecular consequence: frameshift variant.
Genome position (GRCh38, 1-based): chr5:71,650,107-71,650,108, CA deleted. VCF-style (leftmost placement, unchanged base first): chr5-71650106-TCA-T. GRCh37 (hg19) VCF-style: chr5-70945933-TCA-T.
Other names: c.1298_1299del, p.Ser433fs (NM_001363147.1); c.1412_1413delCA (NM_022132.4); short protein forms S433fs, S471fs.
Identifiers: ClinVar variation 595072 (VCV000595072.11), dbSNP rs780304038, ClinGen allele CA120004432.